The following is an entry in ClinVar:

ClinVar aggregate classification (germline): Uncertain significance. Review status: criteria provided, multiple submitters, no conflicts (2 of 4 stars). 2 submissions from 2 submitters: Uncertain significance (2). Last evaluated 2022-11-09.

Conditions:
Renal cell carcinoma. Identifiers: Orphanet 217071, MedGen C0007134, MeSH D002292, MONDO:0005086, HP:0005584.
Hereditary cancer-predisposing syndrome. Also called: Neoplastic Syndromes, Hereditary; Tumor predisposition; Hereditary Cancer Syndrome; Hereditary neoplastic syndrome. Identifiers: Orphanet 140162, MedGen C0027672, MeSH D009386, MONDO:0015356.

Submissions (2):

Labcorp Genetics (formerly Invitae), Labcorp
Classification: Uncertain significance for Renal cell carcinoma. Last evaluated: 2022-11-09. Review status: criteria provided, single submitter. Criteria: Invitae Variant Classification Sherloc (09022015). Collection method: clinical testing. Allele origin: germline.
Comment: This sequence change replaces aspartic acid, which is acidic and polar, with asparagine, which is neutral and polar, at codon 127 of the MET protein (p.Asp127Asn). In summary, the available evidence is currently insufficient to determine the role of this variant in disease. Therefore, it has been classified as a Variant of Uncertain Significance. Algorithms developed to predict the effect of missense changes on protein structure and function are either unavailable or do not agree on the potential impact of this missense change (SIFT: "Deleterious"; PolyPhen-2: "Probably Damaging"; Align-GVGD: "Class C0"). This variant has not been reported in the literature in individuals affected with MET-related conditions. This variant is not present in population databases (gnomAD no frequency).

Ambry Genetics
Classification: Uncertain significance for Hereditary cancer-predisposing syndrome. Last evaluated: 2020-06-24. Review status: criteria provided, single submitter. Criteria: Ambry Variant Classification Scheme 2023. Collection method: clinical testing. Allele origin: germline.
Comment: The p.D127N variant (also known as c.379G>A), located in coding exon 1 of the MET gene, results from a G to A substitution at nucleotide position 379. The aspartic acid at codon 127 is replaced by asparagine, an amino acid with highly similar properties. This amino acid position is highly conserved in available vertebrate species. In addition, this alteration is predicted to be tolerated by in silico analysis. Since supporting evidence is limited at this time, the clinical significance of this alteration remains unclear.

NM_000245.4(MET):c.379G>A (p.Asp127Asn)

Gene: MET (MET proto-oncogene, receptor tyrosine kinase; plus strand). Cytogenetic location: 7q31.2.
Variant type: single nucleotide variant.
Coding change: c.379G>A on transcript NM_000245.4 (MANE Select); coding-DNA position 379, G replaced by A.
Protein change: p.Asp127Asn; replaces aspartic acid 127 with asparagine.
Molecular consequence: missense variant. On other transcripts: intron variant (1).
Genome position (GRCh38, 1-based): chr7:116,699,463, G>A. VCF-style: chr7-116699463-G-A. GRCh37 (hg19) VCF-style: chr7-116339517-G-A.
Other names: c.379G>A, p.Asp127Asn (NM_001127500.3, NM_001324401.3); c.-91+26886G>A (NM_001324402.2); short protein forms D127N.
Identifiers: ClinVar variation 1735023 (VCV001735023.5), dbSNP rs1584876615, ClinGen allele CA368968945.